The following is an entry in ClinVar:

ClinVar aggregate classification (germline): Benign/Likely benign. Review status: criteria provided, multiple submitters, no conflicts (2 of 4 stars). 4 submissions from 4 submitters: Benign (1); Likely benign (2). 1 of the submissions does not count toward it. Last evaluated 2025-12-17.

Conditions:
Becker muscular dystrophy (BMD). Also called: Becker Muscular Dystrophy (BMD); MUSCULAR DYSTROPHY, PSEUDOHYPERTROPHIC PROGRESSIVE, BECKER TYPE. Identifiers: Orphanet 98895, MedGen C0917713, MONDO:0010311, OMIM 300376.
Duchenne muscular dystrophy (DMD). Also called: Duchenne Muscular Dystrophy (DMD); MUSCULAR DYSTROPHY, PSEUDOHYPERTROPHIC PROGRESSIVE, DUCHENNE TYPE. Identifiers: Orphanet 98896, MedGen C0013264, MONDO:0010679, OMIM 310200.
Dilated cardiomyopathy 3B (CMD3B). Also called: CMD3B: DMD-Related Dilated Cardiomyopathy; CARDIOMYOPATHY, DILATED, X-LINKED; DMD-Associated Dilated Cardiomyopathy. Identifiers: Orphanet 154, MedGen C3668940, MONDO:0010542, OMIM 302045.
Cardiovascular phenotype. Identifiers: MedGen CN230736.
Dystrophin deficiency.
Cardiomyopathy (CMYO). Also called: Cardiomyopathies. Identifiers: Orphanet 167848, MedGen C0878544, MONDO:0004994, HP:0001638. Inheritance: Various modes of inheritance.

Allele frequency attached by ClinVar (database versions not stated): gnomAD 0.00001; ExAC 0.00002; gnomAD exomes 0.00002; TOPMed 0.00003.
gnomAD v4.1: 26 of 1,202,127 alleles (0.0022%); highest among the groups gnomAD compares: African/African-American, 0.0035%; no homozygotes.

Submissions (4):

Labcorp Genetics (formerly Invitae), Labcorp
Classification: Benign for Duchenne muscular dystrophy. Last evaluated: 2025-12-17. Review status: criteria provided, single submitter. Criteria: Invitae Variant Classification Sherloc (09022015). Collection method: clinical testing. Allele origin: germline.

Blueprint Genetics
Classification: Likely benign. Last evaluated: 2024-03-05. Review status: criteria provided, single submitter. Criteria: ACMG Guidelines, 2015. Collection method: clinical testing. Allele origin: germline.

Ambry Genetics
Classification: Likely benign for Cardiovascular phenotype. Last evaluated: 2023-11-17. Review status: criteria provided, single submitter. Criteria: Ambry Variant Classification Scheme 2023. Collection method: clinical testing. Allele origin: germline.

Natera, Inc.
Classification: Uncertain significance for Becker muscular dystrophy; Cardiomyopathy; Duchenne muscular dystrophy; Dystrophin deficiency. Last evaluated: 2020-05-02. Review status: no assertion criteria provided. Collection method: clinical testing. Allele origin: germline. Not counted in ClinVar's aggregate classification.

NM_004006.3(DMD):c.7093G>A (p.Val2365Ile)

Gene: DMD (dystrophin; minus strand). Cytogenetic location: Xp21.1.
Variant type: single nucleotide variant.
Coding change: c.7093G>A on transcript NM_004006.3 (MANE Select); coding-DNA position 7093, G replaced by A.
Protein change: p.Val2365Ile; replaces valine 2365 with isoleucine.
Molecular consequence: missense variant. On other transcripts: 5 prime UTR variant (5).
Genome position (GRCh38, 1-based): chrX:31,875,193, C>T on the plus strand (G>A on the coding strand, the complement: DMD is on the minus strand). VCF-style: chrX-31875193-C-T. GRCh37 (hg19) VCF-style: chrX-31893310-C-T.
Other names: c.7069G>A, p.Val2357Ile (NM_000109.4); c.7081G>A, p.Val2361Ile (NM_004009.3); c.6724G>A, p.Val2242Ile (NM_004010.3); c.3070G>A, p.Val1024Ile (NM_004011.4); c.3061G>A, p.Val1021Ile (NM_004012.4); c.-288G>A (NM_004013.3, NM_004020.4, NM_004021.3 and 2 more transcripts); short protein forms V1021I, V2242I, V2357I, V2365I, V1024I, V2361I.
Identifiers: ClinVar variation 846715 (VCV000846715.11), dbSNP rs746851176, ClinGen allele CA10378345.
Genomic context (GRCh38, chrX:31,875,193, plus strand): 5'-ATATTGCCATTTTTCTTAAAAAAGACAAAAATATTTAAAGCAAAAAGTTCCCTACCTTAA[C>T]GTCAAATGGTCCTTCTTGGTTTGGTTGGTTATAAATTTCCAACTGATTCCTAATAGGAGA-3'
Protein context (NP_003997.2, residues 2355-2375): NQPNQEGPFD[Val2365Ile]KETEIAVQAK